The following is an entry in ClinVar:

ClinVar aggregate classification (germline): Uncertain significance. Review status: criteria provided, multiple submitters, no conflicts (2 of 4 stars). 2 submissions from 2 submitters: Uncertain significance (2). Last evaluated 2025-03-14.

Conditions:
Tuberous sclerosis 2 (TSC2). Identifiers: Orphanet 805, MedGen C1860707, MONDO:0013199, OMIM 613254.
Hereditary cancer-predisposing syndrome. Also called: Neoplastic Syndromes, Hereditary; Tumor predisposition; Hereditary Cancer Syndrome; Hereditary neoplastic syndrome. Identifiers: Orphanet 140162, MedGen C0027672, MeSH D009386, MONDO:0015356.

Submissions (2):

Ambry Genetics
Classification: Uncertain significance for Hereditary cancer-predisposing syndrome. Last evaluated: 2025-03-14. Review status: criteria provided, single submitter. Criteria: Ambry Variant Classification Scheme 2023. Collection method: clinical testing. Allele origin: germline.
Comment: The p.G1664C variant (also known as c.4990G>T) is located in coding exon 38 of the TSC2 gene. The glycine at codon 1664 is replaced by cysteine, an amino acid with highly dissimilar properties. This change occurs in the first base pair of coding exon 38. This amino acid position is highly conserved in available vertebrate species. In addition, this alteration is predicted to be deleterious by in silico analysis. Based on the available evidence, the clinical significance of this variant remains unclear.

Labcorp Genetics (formerly Invitae), Labcorp
Classification: Uncertain significance for Tuberous sclerosis 2. Last evaluated: 2023-03-31. Review status: criteria provided, single submitter. Criteria: Invitae Variant Classification Sherloc (09022015). Collection method: clinical testing. Allele origin: germline.
Comment: This variant is not present in population databases (gnomAD no frequency). In summary, the available evidence is currently insufficient to determine the role of this variant in disease. Therefore, it has been classified as a Variant of Uncertain Significance. An algorithm developed to predict the effect of missense changes on protein structure and function (PolyPhen-2) suggests that this variant is likely to be disruptive. ClinVar contains an entry for this variant (Variation ID: 1744600). This variant has not been reported in the literature in individuals affected with TSC2-related conditions. This sequence change replaces glycine, which is neutral and non-polar, with cysteine, which is neutral and slightly polar, at codon 1664 of the TSC2 protein (p.Gly1664Cys).

NM_000548.5(TSC2):c.4990G>T (p.Gly1664Cys)

Gene: TSC2 (TSC complex subunit 2; plus strand). Cytogenetic location: 16p13.3.
Variant type: single nucleotide variant.
Coding change: c.4990G>T on transcript NM_000548.5 (MANE Select); coding-DNA position 4990, G replaced by T.
Protein change: p.Gly1664Cys; replaces glycine 1664 with cysteine.
Molecular consequence: missense variant.
Genome position (GRCh38, 1-based): chr16:2,087,863, G>T. VCF-style: chr16-2087863-G-T. GRCh37 (hg19) VCF-style: chr16-2137864-G-T.
Other names: c.4789G>T, p.Gly1597Cys (NM_001077183.3); c.4921G>T, p.Gly1641Cys (NM_001114382.3); c.4681G>T, p.Gly1561Cys (NM_001318827.2); c.4645G>T, p.Gly1549Cys (NM_001318829.2); c.4258G>T, p.Gly1420Cys (NM_001318831.2); c.4822G>T, p.Gly1608Cys (NM_001318832.2); c.4792G>T, p.Gly1598Cys (NM_001363528.2); c.4774G>T, p.Gly1592Cys (NM_001406675.1); and 26 more; short protein forms G1398C, G1444C, G1464C, G1549C, G1561C, G1620C, G1638C, G1640C.
Identifiers: ClinVar variation 1744600 (VCV001744600.6), dbSNP rs2091044768, ClinGen allele CA394310881.
Genomic context (GRCh38, chr16:2,087,863, plus strand): 5'-CCGAGATCAGCCTTCAGCACACGCTGTGTGCGGGGATGACCCTTTCTCTTGTCCGGGCAG[G>T]GCCAGTTCAACTTTGTCCACGTGATCGTCACCCCGCTGGACTACGAGTGCAACCTGGTGT-3'
Protein context (NP_000539.2, residues 1654-1674): GEDFKLGTIK[Gly1664Cys]QFNFVHVIVT